The following is an entry in ClinVar:

ClinVar aggregate classification (germline): Benign/Likely benign. Review status: criteria provided, multiple submitters, no conflicts (2 of 4 stars). 4 submissions from 4 submitters: Benign (2); Likely benign (2). Last evaluated 2026-01-13.

Conditions:
Inborn genetic diseases. Identifiers: MedGen C0950123, MeSH D030342.
Autosomal dominant childhood-onset proximal spinal muscular atrophy with contractures (SMALED2A). Also called: SPINAL MUSCULAR ATROPHY, LOWER EXTREMITY-PREDOMINANT, 2A, CHILDHOOD ONSET, AUTOSOMAL DOMINANT; Spinal muscular atrophy, lower extremity-predominant, 2A, autosomal dominant. Identifiers: Orphanet 363447, Orphanet 363454, MedGen C4747715, MONDO:0014121, OMIM 615290.

Allele frequency attached by ClinVar (database versions not stated): gnomAD 0.00017 and 0.00052; gnomAD exomes 0.00019 and 0.00099; ExAC 0.00027; 1000 Genomes Project 30x 0.00234; 1000 Genomes Project 0.00300; TOPMed 0.00014.
gnomAD v4.1: 1,477 of 1,610,772 alleles (0.092%); highest among the groups gnomAD compares: East Asian, 3.3%; 53 homozygotes.

Submissions (4):

Labcorp Genetics (formerly Invitae), Labcorp
Classification: Benign for Autosomal dominant childhood-onset proximal spinal muscular atrophy with contractures. Last evaluated: 2026-01-13. Review status: criteria provided, single submitter. Criteria: Invitae Variant Classification Sherloc (09022015). Collection method: clinical testing. Allele origin: germline.

Mayo Clinic Laboratories, Mayo Clinic
Classification: Benign. Last evaluated: 2025-07-17. Review status: criteria provided, single submitter. Criteria: ACMG Guidelines, 2015. Collection method: clinical testing. Allele origin: germline. Observed: 1 variant allele.
Comment: BA1

Ambry Genetics
Classification: Likely benign for Inborn genetic diseases. Last evaluated: 2019-07-11. Review status: criteria provided, single submitter. Criteria: Ambry Variant Classification Scheme 2023. Collection method: clinical testing. Allele origin: germline.

GeneDx
Classification: Likely benign. Last evaluated: 2016-11-16. Review status: criteria provided, single submitter. Criteria: GeneDx Variant Classification (06012015). Collection method: clinical testing. Allele origin: germline. Affected: yes.
Comment: This variant is considered likely benign or benign based on one or more of the following criteria: it is a conservative change, it occurs at a poorly conserved position in the protein, it is predicted to be benign by multiple in silico algorithms, and/or has population frequency not consistent with disease.

NM_001003800.2(BICD2):c.1044G>A (p.Leu348=)

Gene: BICD2 (BICD cargo adaptor 2; minus strand). Cytogenetic location: 9q22.31.
Variant type: single nucleotide variant.
Coding change: c.1044G>A on transcript NM_001003800.2 (MANE Select); coding-DNA position 1044, G replaced by A.
Protein change: p.Leu348=; no amino-acid change (leucine 348 retained).
Molecular consequence: synonymous variant.
Genome position (GRCh38, 1-based): chr9:92,720,318, C>T on the plus strand (G>A on the coding strand, the complement: BICD2 is on the minus strand). VCF-style: chr9-92720318-C-T. GRCh37 (hg19) VCF-style: chr9-95482600-C-T.
Other names: p.Leu348=; c.1044G>A, p.Leu348= (NM_015250.4).
Identifiers: ClinVar variation 390790 (VCV000390790.15), dbSNP rs77530912, ClinGen allele CA5126671.